The following is an entry in ClinVar:

NM_000059.4(BRCA2):c.426-1G>A

Gene: BRCA2 (BRCA2 DNA repair associated; plus strand). Cytogenetic location: 13q13.1.
Variant type: single nucleotide variant.
Coding change: c.426-1G>A on transcript NM_000059.4 (MANE Select); the canonical splice acceptor site of the intron before coding-DNA position 426, G replaced by A.
Molecular consequence: splice acceptor variant.
Genome position (GRCh38, 1-based): chr13:32,326,100, G>A. VCF-style: chr13-32326100-G-A. GRCh37 (hg19) VCF-style: chr13-32900237-G-A.
Other names: c.426-1G>A (NM_001406720.1, NM_001406719.1, NM_001406721.1); c.57-1G>A (NM_001406722.1).
Identifiers: ClinVar variation 409592 (VCV000409592.11), dbSNP rs1060502485, ClinGen allele CA16614098.
Genomic context (GRCh38, chr13:32,326,100, plus strand): 5'-ATAAACTAGTTTTTGCCAGTTTTTTAAAATAACCTAAGGGATTTGCTTTGTTTTATTTTA[G>A]TCCTGTTGTTCTACAATGTACACATGTAACACCACAAAGAGATAAGTCAGGTATGATTAA-3'

ClinVar aggregate classification (germline): Likely pathogenic (1 of 4 stars; one submission).

Conditions:
Hereditary breast ovarian cancer syndrome. Also called: Hereditary breast and ovarian cancer; Hereditary breast and/or ovarian cancer syndrome; BRCA1- and BRCA2-Associated Hereditary Breast and Ovarian Cancer; Hereditary breast and ovarian cancer syndrome; Hereditary breast and ovarian cancer syndrome (HBOC); Breast and ovarian cancer. Identifiers: Orphanet 145, MedGen C0677776, MeSH D061325, MONDO:0003582. Disease mechanism: loss of function.

Submission:

Labcorp Genetics (formerly Invitae), Labcorp
Classification: Likely pathogenic for Hereditary breast ovarian cancer syndrome. Last evaluated: 2025-12-06. Review status: criteria provided, single submitter. Criteria: Invitae Variant Classification Sherloc (09022015). Collection method: clinical testing. Allele origin: germline.
Comment: This sequence change affects an acceptor splice site in intron 4 of the BRCA2 gene. RNA analysis indicates that disruption of this splice site induces altered splicing and may result in an absent or altered protein product. This variant is not present in population databases (gnomAD no frequency). This variant has not been reported in the literature in individuals affected with BRCA2-related conditions. ClinVar contains an entry for this variant (Variation ID: 409592). Studies have shown that disruption of this splice site results in skipping of exon 5, and produces a non-functional protein and/or introduces a premature termination codon (PMID: 22505045, 30883759). In summary, the currently available evidence indicates that the variant is pathogenic, but additional data are needed to prove that conclusively. Therefore, this variant has been classified as Likely Pathogenic.

Literature cited by the submitters: PubMed 22505045; PubMed 30883759.